The following is an entry in ClinVar:

NM_003718.5(CDK13):c.2525A>C (p.Asn842Thr)

Gene: CDK13 (cyclin dependent kinase 13; plus strand). Cytogenetic location: 7p14.1.
Variant type: single nucleotide variant.
Coding change: c.2525A>C on transcript NM_003718.5 (MANE Select); coding-DNA position 2525, A replaced by C.
Protein change: p.Asn842Thr; replaces asparagine 842 with threonine.
Molecular consequence: missense variant.
Genome position (GRCh38, 1-based): chr7:40,046,007, A>C. VCF-style: chr7-40046007-A-C. GRCh37 (hg19) VCF-style: chr7-40085606-A-C.
Other names: c.2525A>C, p.Asn842Thr (NM_031267.4); short protein forms N842T.
Identifiers: ClinVar variation 3775995 (VCV003775995.1).

ClinVar aggregate classification (germline): Uncertain significance (1 of 4 stars; one submission).

Conditions:
Congenital heart defects, dysmorphic facial features, and intellectual developmental disorder (CHDFIDD). Identifiers: Orphanet 646278, MedGen C4479246, MONDO:0044302, OMIM 617360.

Submission:

3billion
Classification: Uncertain significance for Congenital heart defects, dysmorphic facial features, and intellectual developmental disorder. Last evaluated: 2023-08-25. Review status: criteria provided, single submitter. Criteria: ACMG Guidelines, 2015. Collection method: clinical testing. Allele origin: germline. Affected: yes.
Comment: The variant is not observed in the gnomAD v2.1.1 dataset. Predicted Consequence/Location: Missense variant In silico tool predictions suggest damaging effect of the variant on gene or gene product [REVEL: 0.91 (>=0.6, sensitivity 0.68 and specificity 0.92); 3Cnet: 0.95 (>=0.6, sensitivity 0.72 and precision 0.9)]. Different missense changes at the same codon (p.Asn842Asp, p.Asn842Ile, p.Asn842Ser) have been reported as pathogenic/likely pathogenic with strong evidence (ClinVar ID: VCV000235887, VCV000522794 /PMID: 27479907, 28807008, 31238879 /3billion dataset). Therefore, this variant is classified as VUS according to the recommendation of ACMG/AMP guideline.

Literature cited by the submitters: PubMed 27479907.